The following is an entry in ClinVar:

NM_000821.7(GGCX):c.1247G>A (p.Arg416His)

Gene: GGCX (gamma-glutamyl carboxylase; minus strand). Cytogenetic location: 2p11.2.
Variant type: single nucleotide variant.
Coding change: c.1247G>A on transcript NM_000821.7 (MANE Select); coding-DNA position 1247, G replaced by A.
Protein change: p.Arg416His; replaces arginine 416 with histidine.
Molecular consequence: missense variant.
Genome position (GRCh38, 1-based): chr2:85,552,979, C>T on the plus strand (G>A on the coding strand, the complement: GGCX is on the minus strand). VCF-style: chr2-85552979-C-T. GRCh37 (hg19) VCF-style: chr2-85780102-C-T.
Other names: c.1076G>A, p.Arg359His (NM_001142269.4); short protein forms R359H, R416H.
Identifiers: ClinVar variation 1362580 (VCV001362580.8), dbSNP rs764321063, ClinGen allele CA1741877.

ClinVar aggregate classification (germline): Uncertain significance (1 of 4 stars; one submission).

Allele frequency attached by ClinVar (database versions not stated): gnomAD 0.00001; TOPMed 0.00001; gnomAD exomes 0.00003; ExAC 0.00004.
gnomAD v4.1: 20 of 1,614,048 alleles (0.0012%); highest among the groups gnomAD compares: South Asian, 0.0055%; no homozygotes.

Submission:

Labcorp Genetics (formerly Invitae), Labcorp
Classification: Uncertain significance. Last evaluated: 2022-03-18. Review status: criteria provided, single submitter. Criteria: Invitae Variant Classification Sherloc (09022015). Collection method: clinical testing. Allele origin: germline.
Comment: In summary, the available evidence is currently insufficient to determine the role of this variant in disease. Therefore, it has been classified as a Variant of Uncertain Significance. Algorithms developed to predict the effect of missense changes on protein structure and function (SIFT, PolyPhen-2, Align-GVGD) all suggest that this variant is likely to be tolerated. This variant has not been reported in the literature in individuals affected with GGCX-related conditions. This variant is present in population databases (rs764321063, gnomAD 0.01%). This sequence change replaces arginine, which is basic and polar, with histidine, which is basic and polar, at codon 416 of the GGCX protein (p.Arg416His).